The following is an entry in ClinVar:

NM_001363711.2(DUOX2):c.4007_4008inv (p.Val1336Ala)

Gene: DUOX2 (dual oxidase 2; minus strand). Cytogenetic location: 15q21.1.
Variant type: Inversion.
Coding change: c.4007_4008inv on transcript NM_001363711.2 (MANE Select).
Protein change: p.Val1336Ala; replaces valine 1336 with alanine.
Molecular consequence: missense variant.
Genome position: GRCh38 VCF-style: chr15-45095900-CA-TG. GRCh37 (hg19) VCF-style: chr15-45388098-CA-TG.
Other names: c.4007_4008inv, p.Val1336Ala (NM_014080.5); short protein forms V1336A.
Identifiers: ClinVar variation 3603565 (VCV003603565.2).

ClinVar aggregate classification (germline): Uncertain significance (1 of 4 stars; one submission).

Submission:

Labcorp Genetics (formerly Invitae), Labcorp
Classification: Uncertain significance. Last evaluated: 2024-07-06. Review status: criteria provided, single submitter. Criteria: Invitae Variant Classification Sherloc (09022015). Collection method: clinical testing. Allele origin: germline.
Comment: This sequence change replaces valine, which is neutral and non-polar, with alanine, which is neutral and non-polar, at codon 1336 of the DUOX2 protein (p.Val1336Ala). The frequency data for this variant in the population databases is considered unreliable, as metrics indicate poor data quality at this position in the gnomAD database. This variant has not been reported in the literature in individuals affected with DUOX2-related conditions. An algorithm developed to predict the effect of missense changes on protein structure and function (PolyPhen-2) suggests that this variant is likely to be tolerated. In summary, the available evidence is currently insufficient to determine the role of this variant in disease. Therefore, it has been classified as a Variant of Uncertain Significance.